The following is an entry in ClinVar:

ClinVar aggregate classification (germline): Benign (1 of 4 stars; one submission).

Conditions:
Hereditary leiomyomatosis and renal cell cancer. Also called: MULTIPLE CUTANEOUS AND UTERINE LEIOMYOMATA 1, WITH OR WITHOUT RENAL CELL CARCINOMA; LEIOMYOMA, MULTIPLE CUTANEOUS; FH tumor predisposition syndrome; Reed syndrome; Multiple cutaneous and uterine leiomyomatosis; Cutaneous leiomyomata with uterine leiomyomata. Identifiers: Orphanet 523, MedGen C1708350, MONDO:0007888, OMIM 150800, HP:0007437. Disease mechanism: loss of function.

Submission:

Myriad Genetics, Inc.
Classification: Benign for Hereditary leiomyomatosis and renal cell cancer. Last evaluated: 2024-10-17. Review status: criteria provided, single submitter. Criteria: Myriad Autosomal Dominant, Autosomal Recessive and X-Linked Classification Criteria (2023). Collection method: clinical testing. Allele origin: unknown.
Comment: This variant is considered benign. This variant is intronic and is not expected to impact mRNA splicing.

NM_000143.4(FH):c.267+3_267+64dup

Gene: FH (fumarate hydratase; minus strand). Cytogenetic location: 1q43.
Variant type: Duplication.
Coding change: c.267+3_267+64dup on transcript NM_000143.4 (MANE Select); bases 3 to 64 of the intron after coding-DNA position 267, 62 bases duplicated.
Molecular consequence: splice donor variant.
Genome position (GRCh38, 1-based): chr1:241,517,118-241,517,179, 62 bases duplicated. GRCh37 (hg19): chr1:241,680,419-241,680,480.
Identifiers: ClinVar variation 3773266 (VCV003773266.1).